The following is an entry in ClinVar:

ClinVar aggregate classification (germline): Conflicting classifications of pathogenicity. Review status: criteria provided, conflicting classifications (1 of 4 stars). 3 submissions from 3 submitters: Uncertain significance (2); Benign (1). Last evaluated 2026-01-26.

Conditions:
Renal cell carcinoma. Identifiers: Orphanet 217071, MedGen C0007134, MeSH D002292, MONDO:0005086, HP:0005584.
Hereditary cancer-predisposing syndrome. Also called: Neoplastic Syndromes, Hereditary; Tumor predisposition; Hereditary Cancer Syndrome; Hereditary neoplastic syndrome. Identifiers: Orphanet 140162, MedGen C0027672, MeSH D009386, MONDO:0015356.

Allele frequency attached by ClinVar (database versions not stated): TOPMed 0.00001; gnomAD 0.00003; gnomAD exomes 0.00003; ExAC 0.00004; ESP Exome Variant Server 0.00008; 1000 Genomes Project 30x 0.00016; 1000 Genomes Project 0.00020.
gnomAD v4.1: 36 of 1,614,072 alleles (0.0022%); highest among the groups gnomAD compares: South Asian, 0.0077%; no homozygotes.

Submissions (3):

Labcorp Genetics (formerly Invitae), Labcorp
Classification: Uncertain significance for Renal cell carcinoma. Last evaluated: 2026-01-26. Review status: criteria provided, single submitter. Criteria: Invitae Variant Classification Sherloc (09022015). Collection method: clinical testing. Allele origin: germline.
Comment: This sequence change replaces arginine, which is basic and polar, with histidine, which is basic and polar, at codon 412 of the MET protein (p.Arg412His). This variant is present in population databases (rs371463233, gnomAD 0.01%). This variant has not been reported in the literature in individuals affected with MET-related conditions. ClinVar contains an entry for this variant (Variation ID: 1026935). An algorithm developed to predict the effect of missense changes on protein structure and function outputs the following: PolyPhen-2: "Benign". The histidine amino acid residue is found in multiple mammalian species, which suggests that this missense change does not adversely affect protein function. In summary, the available evidence is currently insufficient to determine the role of this variant in disease. Therefore, it has been classified as a Variant of Uncertain Significance.

GeneDx
Classification: Uncertain significance. Last evaluated: 2024-04-16. Review status: criteria provided, single submitter. Criteria: GeneDx Variant Classification Process June 2021. Collection method: clinical testing. Allele origin: germline. Affected: yes.
Comment: In silico analysis indicates that this missense variant does not alter protein structure/function; Has not been previously published as pathogenic or benign to our knowledge

Ambry Genetics
Classification: Benign for Hereditary cancer-predisposing syndrome. Last evaluated: 2023-11-22. Review status: criteria provided, single submitter. Criteria: Ambry Variant Classification Scheme 2023. Collection method: clinical testing. Allele origin: germline.

NM_000245.4(MET):c.1235G>A (p.Arg412His)

Gene: MET (MET proto-oncogene, receptor tyrosine kinase; plus strand). Cytogenetic location: 7q31.2.
Variant type: single nucleotide variant.
Coding change: c.1235G>A on transcript NM_000245.4 (MANE Select); coding-DNA position 1235, G replaced by A.
Protein change: p.Arg412His; replaces arginine 412 with histidine.
Molecular consequence: missense variant. On other transcripts: 5 prime UTR variant (1).
Genome position (GRCh38, 1-based): chr7:116,731,702, G>A. VCF-style: chr7-116731702-G-A. GRCh37 (hg19) VCF-style: chr7-116371756-G-A.
Other names: c.1235G>A, p.Arg412His (NM_001127500.3, NM_001324401.3); c.-56G>A (NM_001324402.2); short protein forms R412H.
Identifiers: ClinVar variation 1026935 (VCV001026935.12), dbSNP rs371463233, ClinGen allele CA4448119.